The following is an entry in ClinVar:

ClinVar aggregate classification (germline): Benign. Review status: criteria provided, multiple submitters, no conflicts (2 of 4 stars). 2 submissions from 2 submitters: Benign (2). Last evaluated 2018-01-12.

Conditions:
Growth delay due to insulin-like growth factor I resistance. Also called: Somatomedin end-organ insensitivity to; Somatomedin-c resistance to; IGF-1 resistance; IGF-I RESISTANCE; Insulin-Like Growth Factor I Resistance. Identifiers: Orphanet 73273, MedGen C1849157, MONDO:0010038, OMIM 270450.

Allele frequency attached by ClinVar (database versions not stated): gnomAD exomes 0.04089; 1000 Genomes Project 0.06530; 1000 Genomes Project 30x 0.06761; gnomAD 0.07092 and 0.07433; TOPMed 0.07701.
gnomAD v4.1: 14,158 of 233,728 alleles (6.1%); highest among the groups gnomAD compares: African/African-American, 16%; 781 homozygotes.

Submissions (2):

Illumina Laboratory Services, Illumina
Classification: Benign for Growth delay due to insulin-like growth factor I resistance. Last evaluated: 2018-01-12. Review status: criteria provided, single submitter. Criteria: ICSL Variant Classification Criteria 13 December 2019. Collection method: clinical testing. Allele origin: germline.
Comment: This variant was observed in the ICSL laboratory as part of a predisposition screen in an ostensibly healthy population. It had not been previously curated by ICSL or reported in the Human Gene Mutation Database (HGMD: prior to June 1st, 2018), and was therefore a candidate for classification through an automated scoring system. Utilizing variant allele frequency, disease prevalence and penetrance estimates, and inheritance mode, an automated score was calculated to assess if this variant is too frequent to cause the disease. Based on the score and internal cut-off values, a variant classified as benign is not then subjected to further curation. The score for this variant resulted in a classification of benign for this disease.

Breakthrough Genomics
Classification: Benign. Review status: criteria provided, single submitter. Criteria: ACMG Guidelines, 2015. Collection method: not provided. Allele origin: germline. Inheritance: Autosomal dominant inheritance. Affected: yes.

NM_000875.5(IGF1R):c.*3333G>A

Gene: IGF1R (insulin like growth factor 1 receptor; plus strand). Cytogenetic location: 15q26.3.
Variant type: single nucleotide variant.
Coding change: c.*3333G>A on transcript NM_000875.5 (MANE Select); 3333 bases downstream of the stop codon, G replaced by A.
Molecular consequence: 3 prime UTR variant.
Genome position (GRCh38, 1-based): chr15:98,960,775, G>A. VCF-style: chr15-98960775-G-A. GRCh37 (hg19) VCF-style: chr15-99504004-G-A.
Other names: c.*3333G>A (NM_001291858.2).
Identifiers: ClinVar variation 317551 (VCV000317551.6), dbSNP rs61736167, ClinGen allele CA10642748.